The following is an entry in ClinVar:

NM_133443.4(GPT2):c.459C>G (p.Ser153Arg)

Gene: GPT2 (glutamic--pyruvic transaminase 2; plus strand). Cytogenetic location: 16q11.2.
Variant type: single nucleotide variant.
Coding change: c.459C>G on transcript NM_133443.4 (MANE Select); coding-DNA position 459, C replaced by G.
Protein change: p.Ser153Arg; replaces serine 153 with arginine.
Molecular consequence: missense variant.
Genome position (GRCh38, 1-based): chr16:46,906,858, C>G. VCF-style: chr16-46906858-C-G. GRCh37 (hg19) VCF-style: chr16-46940770-C-G.
Other names: c.159C>G, p.Ser53Arg (NM_001142466.3); short protein forms S153R, S53R.
Identifiers: ClinVar variation 187856 (VCV000187856.4), dbSNP rs786203999, ClinGen allele CA198546.

ClinVar aggregate classification (germline): Likely pathogenic. Review status: criteria provided, single submitter (1 of 4 stars). 2 submissions from 2 submitters: Likely pathogenic (1). 1 of the submissions does not count toward it. Last evaluated 2023-02-23.

Conditions:
Inborn genetic diseases. Identifiers: MedGen C0950123, MeSH D030342.
Glutamate pyruvate transaminase 2 deficiency (NEDSPM). Also called: Neurodevelopmental disorder with microcephaly and spastic paraplegia. Identifiers: Orphanet 477673, MedGen C4225388, MONDO:0014567, OMIM 616281.

Submissions (2):

Ambry Genetics
Classification: Likely pathogenic for Inborn genetic diseases. Last evaluated: 2023-02-23. Review status: criteria provided, single submitter. Criteria: Ambry Variant Classification Scheme 2023. Collection method: clinical testing. Allele origin: germline.
Comment: The c.459C>G (p.S153R) alteration is located in exon 5 (coding exon 4) of the GPT2 gene. This alteration results from a C to G substitution at nucleotide position 459, causing the serine (S) at amino acid position 153 to be replaced by an arginine (R). This variant was not reported in population-based cohorts in the Genome Aggregation Database (gnomAD). This variant has been observed in the homozygous state in three siblings with developmental delay, microcephaly, and spastic paraplegia (Iglesias, 2014; Celis, 2015). This amino acid position is highly conserved in available vertebrate species. In vitro functional assays show reduced enzyme activity for this variant compared to control (Celis, 2015; Ouyang, 2016). This alteration is predicted to be deleterious by in silico analysis. Based on the available evidence, this alteration is classified as likely pathogenic.

OMIM
Classification: Pathogenic for NEURODEVELOPMENTAL DISORDER WITH SPASTIC PARAPLEGIA AND MICROCEPHALY. Last evaluated: 2015-03-03. Review status: no assertion criteria provided. Collection method: literature only. Allele origin: germline. Not counted in ClinVar's aggregate classification.

Literature cited by the submitters: PubMed 24901346 (cited by Ambry Genetics); PubMed 25758935 (cited by Ambry Genetics and OMIM); PubMed 27601654 (cited by Ambry Genetics and OMIM).